The following is an entry in ClinVar:

ClinVar aggregate classification (germline): Likely pathogenic. Review status: criteria provided, single submitter (1 of 4 stars). 3 submissions from 3 submitters: Likely pathogenic (1). 2 of the submissions do not count toward it. Last evaluated 2021-12-22.

Conditions:
F10-related disorder. Also called: F10-related condition.
Hereditary factor X deficiency disease. Also called: Congenital factor X deficiency; STUART-PROWER FACTOR DEFICIENCY. Identifiers: Orphanet 328, MedGen C0272327, MONDO:0009212, OMIM 227600.
Factor X deficiency. Also called: F10 DEFICIENCY. Identifiers: MedGen C0015519, MeSH D005171, MONDO:0002247.

Allele frequency attached by ClinVar (database versions not stated): gnomAD 0.00001; gnomAD exomes 0.00001 and 0.00002; ExAC 0.00002.
gnomAD v4.1: 9 of 1,612,938 alleles (0.00056%); highest among the groups gnomAD compares: Admixed American, 0.0017%; no homozygotes.

Submissions (3):

Molecular Diagnostics Laboratory, M Health Fairview: University of Minnesota
Classification: Likely pathogenic for Hereditary factor X deficiency disease. Last evaluated: 2021-12-22. Review status: criteria provided, single submitter. Criteria: ACMG Guidelines, 2015. Collection method: clinical testing. Allele origin: germline. Affected: yes.

PreventionGenetics, part of Exact Sciences
Classification: Likely pathogenic for F10-related condition. Last evaluated: 2024-04-01. Review status: no assertion criteria provided. Collection method: clinical testing. Allele origin: germline. Not counted in ClinVar's aggregate classification.
Comment: The F10 c.1073C>T variant is predicted to result in the amino acid substitution p.Thr358Met. This variant (also known as p.Thr318Met using Legacy nomenclature) has been reported in the homozygous and compound heterozygous state in individuals with Factor X deficiency. Functional studies also indicate this variant impacts Factor X activity (Patient B, Odom et al. 1994. PubMed ID: 8028609; Table 1, Millar et al. 2000. PubMed ID: 10746568). This variant is reported in 0.0033% of alleles in individuals of South Asian descent in gnomAD. This variant is interpreted as likely pathogenic.

OMIM
Classification: Pathogenic for FACTOR X DEFICIENCY. Last evaluated: 2000-02-01. Review status: no assertion criteria provided. Collection method: literature only. Allele origin: germline. Not counted in ClinVar's aggregate classification.

Literature cited by the submitters: PubMed 3408671 (cited by OMIM); PubMed 10746568 (cited by OMIM).

NM_000504.4(F10):c.1073C>T (p.Thr358Met)

Genes: F10 (coagulation factor X; plus strand), F10-AS2 (F10 antisense RNA 2; minus strand). Cytogenetic location: 13q34.
Variant type: single nucleotide variant.
Coding change: c.1073C>T on transcript NM_000504.4 (MANE Select); coding-DNA position 1073, C replaced by T.
Protein change: p.Thr358Met; replaces threonine 358 with methionine.
Molecular consequence: missense variant. On other transcripts: 3 prime UTR variant (1).
Genome position (GRCh38, 1-based): chr13:113,149,123, C>T. VCF-style: chr13-113149123-C-T. GRCh37 (hg19) VCF-style: chr13-113803437-C-T.
Other names: p.Thr358Met; F10, THR318MET; T318M; c.941C>T, p.Thr314Met (NM_001312674.2); c.*64C>T (NM_001312675.2); short protein forms T314M, T358M.
Identifiers: ClinVar variation 1679953 (VCV001679953.3), dbSNP rs768222784, ClinGen allele CA7060680.